The following is an entry in ClinVar:

ClinVar aggregate classification (germline): Uncertain significance. Review status: criteria provided, multiple submitters, no conflicts (2 of 4 stars). 2 submissions from 2 submitters: Uncertain significance (2). Last evaluated 2026-01-09.

Conditions:
Epidermolysis bullosa simplex 5C, with pyloric atresia (EBS5C). Also called: Epidermolysis bullosa simplex with pyloric atresia; PLEC-Related Epidermolysis Bullosa with Pyloric Atresia; PLEC1-Related Epidermolysis Bullosa with Pyloric Atresia. Identifiers: Orphanet 158684, MedGen C2677349, MONDO:0012807, OMIM 612138.
Epidermolysis bullosa simplex with nail dystrophy (EBS5D). Identifiers: MedGen C4225309, MONDO:0014661, OMIM 616487.
Epidermolysis bullosa simplex 5B, with muscular dystrophy (EBS5B). Also called: Epidermolysis bullosa simplex with muscular dystrophy; EPIDERMOLYSIS BULLOSA SIMPLEX AND LIMB-GIRDLE MUSCULAR DYSTROPHY. Identifiers: Orphanet 257, MedGen C2931072, MONDO:0009181, OMIM 226670.
Autosomal recessive limb-girdle muscular dystrophy type 2Q (LGMDR17). Also called: MUSCULAR DYSTROPHY, LIMB-GIRDLE, AUTOSOMAL RECESSIVE 17. Identifiers: Orphanet 254361, MedGen C3150989, MONDO:0013390, OMIM 613723.
Epidermolysis bullosa simplex, Ogna type (EBS5A). Also called: Pidermolysis bullosa simplex 5A, Ogna type; EPIDERMOLYSIS BULLOSA SIMPLEX 5A, OGNA TYPE. Identifiers: Orphanet 79401, MedGen C0432317, MONDO:0007555, OMIM 131950.
Inborn genetic diseases. Identifiers: MedGen C0950123, MeSH D030342.

Allele frequency attached by ClinVar (database versions not stated): TOPMed below 0.00001.
gnomAD v4.1: 13 of 1,553,480 alleles (0.00084%); highest among the groups gnomAD compares: Admixed American, 0.0019%; no homozygotes.

Submissions (2):

Labcorp Genetics (formerly Invitae), Labcorp
Classification: Uncertain significance for Autosomal recessive limb-girdle muscular dystrophy type 2Q; Epidermolysis bullosa simplex, Ogna type; Epidermolysis bullosa simplex with nail dystrophy; Epidermolysis bullosa simplex 5C, with pyloric atresia; Epidermolysis bullosa simplex 5B, with muscular dystrophy. Last evaluated: 2026-01-09. Review status: criteria provided, single submitter. Criteria: Invitae Variant Classification Sherloc (09022015). Collection method: clinical testing. Allele origin: germline.
Comment: This sequence change replaces glutamic acid, which is acidic and polar, with lysine, which is basic and polar, at codon 1655 of the PLEC protein (p.Glu1655Lys). The frequency data for this variant in the population databases is considered unreliable, as metrics indicate poor data quality at this position in the gnomAD database. This variant has not been reported in the literature in individuals affected with PLEC-related conditions. ClinVar contains an entry for this variant (Variation ID: 1399593). Invitae Evidence Modeling of protein sequence and biophysical properties (such as structural, functional, and spatial information, amino acid conservation, physicochemical variation, residue mobility, and thermodynamic stability) has been performed for this missense variant. However, the output from this modeling did not meet the statistical confidence thresholds required to predict the impact of this variant on PLEC protein function. In summary, the available evidence is currently insufficient to determine the role of this variant in disease. Therefore, it has been classified as a Variant of Uncertain Significance.

Ambry Genetics
Classification: Uncertain significance for Inborn genetic diseases. Last evaluated: 2023-09-26. Review status: criteria provided, single submitter. Criteria: Ambry Variant Classification Scheme 2023. Collection method: clinical testing. Allele origin: germline.

NM_201384.3(PLEC):c.4882G>A (p.Glu1628Lys)

Gene: PLEC (plectin; minus strand). Cytogenetic location: 8q24.3.
Variant type: single nucleotide variant.
Coding change: c.4882G>A on transcript NM_201384.3 (MANE Select); coding-DNA position 4882, G replaced by A.
Protein change: p.Glu1628Lys; replaces glutamic acid 1628 with lysine.
Molecular consequence: missense variant.
Genome position (GRCh38, 1-based): chr8:143,925,047, C>T on the plus strand (G>A on the coding strand, the complement: PLEC is on the minus strand). VCF-style: chr8-143925047-C-T. GRCh37 (hg19) VCF-style: chr8-144999215-C-T.
Other names: c.4963G>A (NM_000445.3); c.4963G>A, p.Glu1655Lys (NM_000445.5); c.4840G>A, p.Glu1614Lys (NM_201378.4); c.4816G>A, p.Glu1606Lys (NM_201379.3); c.5293G>A, p.Glu1765Lys (NM_201380.4); c.4786G>A, p.Glu1596Lys (NM_201381.3); c.4882G>A, p.Glu1628Lys (NM_201382.4); c.4894G>A, p.Glu1632Lys (NM_201383.3); short protein forms E1628K, E1655K, E1606K, E1614K, E1765K, E1596K, E1632K.
Identifiers: ClinVar variation 1399593 (VCV001399593.9), dbSNP rs782452508, ClinGen allele CA4926511.
Genomic context (GRCh38, chr8:143,925,047, plus strand): 5'-CCTGCAGCCGCAGCCGTAGCGCCTCGTTGGCCTTGAGCTGCCAGCGCTCCAGCTCCCGCT[C>T]TGCCTCCTCGCGCGCCCGCTCGGCCTCGGCCTGCTGCTGTGCCCGCCGCTCAGCCTCCTC-3'
Protein context (NP_958786.1, residues 1618-1638): AEAERAREEA[Glu1628Lys]RELERWQLKA